The following is an entry in ClinVar:

NM_139276.3(STAT3):c.1049G>T (p.Arg350Met)

Gene: STAT3 (signal transducer and activator of transcription 3; minus strand). Cytogenetic location: 17q21.2.
Variant type: single nucleotide variant.
Coding change: c.1049G>T on transcript NM_139276.3 (MANE Select); coding-DNA position 1049, G replaced by T.
Protein change: p.Arg350Met; replaces arginine 350 with methionine.
Molecular consequence: missense variant.
Genome position (GRCh38, 1-based): chr17:42,333,673, C>A on the plus strand (G>T on the coding strand, the complement: STAT3 is on the minus strand). VCF-style: chr17-42333673-C-A. GRCh37 (hg19) VCF-style: chr17-40485691-C-A.
Other names: c.1049G>T, p.Arg350Met (NM_001369512.1, NM_001369513.1, NM_001369514.1 and 7 more transcripts); short protein forms R350M.
Identifiers: ClinVar variation 952951 (VCV000952951.10), dbSNP rs755524497, ClinGen allele CA8575491.
Genomic context (GRCh38, chr17:42,333,673, plus strand): 5'-CTCACCCTAACAGTGTCCCTCAGTAAAATCTCTACTGGAAATGGAAGTGGCATGGCCTAC[C>A]TGACTTTAGTAGTGAACTGGACGCCGGTCTTGATGACGAGGGGCCGGTCAGGATGCATGG-3'
Protein context (NP_644805.1, residues 340-360): KTGVQFTTKV[Arg350Met]LLVKFPELNY

ClinVar aggregate classification (germline): Uncertain significance (1 of 4 stars; one submission).

Conditions:
Hyper-IgE recurrent infection syndrome 1, autosomal dominant. Also called: STAT3 Hyper IgE Syndrome; Hyper-IgE recurrent infection syndrome 1; HYPER-IgE SYNDROME 1, AUTOSOMAL DOMINANT, WITH RECURRENT INFECTIONS; Job's Syndrome; JOB SYNDROME. Identifiers: Orphanet 2314, MedGen C2936739, MONDO:0007818, OMIM 147060.
STAT3 gain of function. Identifiers: MedGen C4288261.

Allele frequency attached by ClinVar (database versions not stated): ExAC 0.00001; gnomAD 0.00001; TOPMed 0.00001.
gnomAD v4.1: 2 of 1,613,890 alleles (0.00012%); highest among the groups gnomAD compares: African/African-American, 0.0027%; no homozygotes.

Submission:

Labcorp Genetics (formerly Invitae), Labcorp
Classification: Uncertain significance for STAT3 gain of function; Hyper-IgE recurrent infection syndrome 1, autosomal dominant. Last evaluated: 2025-08-17. Review status: criteria provided, single submitter. Criteria: Invitae Variant Classification Sherloc (09022015). Collection method: clinical testing. Allele origin: germline.
Comment: This sequence change replaces arginine, which is basic and polar, with methionine, which is neutral and non-polar, at codon 350 of the STAT3 protein (p.Arg350Met). This variant also falls at the last nucleotide of exon 10, which is part of the consensus splice site for this exon. This variant is present in population databases (rs755524497, gnomAD 0.0009%). This variant has not been reported in the literature in individuals affected with STAT3-related conditions. ClinVar contains an entry for this variant (Variation ID: 952951). An algorithm developed to predict the effect of missense changes on protein structure and function (PolyPhen-2) suggests that this variant is likely to be disruptive. Variants that disrupt the consensus splice site are a relatively common cause of aberrant splicing (PMID: 17576681, 9536098). Algorithms developed to predict the effect of sequence changes on RNA splicing suggest that this variant may disrupt the consensus splice site. In summary, the available evidence is currently insufficient to determine the role of this variant in disease. Therefore, it has been classified as a Variant of Uncertain Significance.

Literature cited by the submitters: PubMed 17576681; PubMed 9536098.